The following is an entry in ClinVar:

NM_001134407.3(GRIN2A):c.414+5G>A

Gene: GRIN2A (glutamate ionotropic receptor NMDA type subunit 2A; minus strand). Cytogenetic location: 16p13.2.
Variant type: single nucleotide variant.
Coding change: c.414+5G>A on transcript NM_001134407.3 (MANE Select); 5 bases into the intron after coding-DNA position 414, G replaced by A.
Molecular consequence: intron variant.
Genome position (GRCh38, 1-based): chr16:10,179,993, C>T on the plus strand (G>A on the coding strand, the complement: GRIN2A is on the minus strand). VCF-style: chr16-10179993-C-T. GRCh37 (hg19) VCF-style: chr16-10273850-C-T.
Other names: c.414+5G>A (NM_001134408.2, NM_000833.5).
Identifiers: ClinVar variation 1405214 (VCV001405214.6), dbSNP rs2142387204, ClinGen allele CA2573151543.

ClinVar aggregate classification (germline): Uncertain significance (1 of 4 stars; one submission).

Conditions:
Landau-Kleffner syndrome (FESD). Also called: APHASIA, ACQUIRED, WITH EPILEPSY; EPILEPSY, FOCAL, WITH SPEECH DISORDER AND WITH OR WITHOUT MENTAL RETARDATION. Identifiers: Orphanet 1945, Orphanet 725, Orphanet 98818, MedGen C0282512, MONDO:0009509, OMIM 245570.

Submission:

Labcorp Genetics (formerly Invitae), Labcorp
Classification: Uncertain significance for Landau-Kleffner syndrome. Last evaluated: 2021-11-18. Review status: criteria provided, single submitter. Criteria: Invitae Variant Classification Sherloc (09022015). Collection method: clinical testing. Allele origin: germline.
Comment: In summary, the available evidence is currently insufficient to determine the role of this variant in disease. Therefore, it has been classified as a Variant of Uncertain Significance. Variants that disrupt the consensus splice site are a relatively common cause of aberrant splicing (PMID: 17576681, 9536098). Algorithms developed to predict the effect of sequence changes on RNA splicing suggest that this variant is not likely to affect RNA splicing. This variant has not been reported in the literature in individuals affected with GRIN2A-related conditions. This variant is not present in population databases (gnomAD no frequency). This sequence change falls in intron 3 of the GRIN2A gene. It does not directly change the encoded amino acid sequence of the GRIN2A protein. It affects a nucleotide within the consensus splice site.

Literature cited by the submitters: PubMed 17576681; PubMed 9536098.